The following is an entry in ClinVar:

ClinVar aggregate classification (germline): Benign. Review status: criteria provided, multiple submitters, no conflicts (2 of 4 stars). 3 submissions from 3 submitters: Benign (2). 1 of the submissions does not count toward it. Last evaluated 2021-06-09.

Conditions:
PARAOXONASE 2 POLYMORPHISM.

Allele frequency attached by ClinVar (database versions not stated): ExAC 0.27102; 1000 Genomes Project 30x 0.28232; gnomAD 0.26773 and 0.26661; gnomAD exomes 0.26707; TOPMed 0.24586; 1000 Genomes Project 0.28215.

Submissions (3):

GeneDx
Classification: Benign. Last evaluated: 2021-06-09. Review status: criteria provided, single submitter. Criteria: GeneDx Variant Classification Process June 2021. Collection method: clinical testing. Allele origin: germline. Affected: yes.
Comment: This variant is associated with the following publications: (PMID: 9329371)

Breakthrough Genomics
Classification: Benign. Review status: criteria provided, single submitter. Criteria: ACMG Guidelines, 2015. Collection method: not provided. Allele origin: germline. Inheritance: Unknown mechanism. Affected: yes.

OMIM
Classification: Benign for PARAOXONASE 2 POLYMORPHISM. Last evaluated: 1997-10-01. Review status: no assertion criteria provided. Collection method: literature only. Allele origin: germline. Not counted in ClinVar's aggregate classification.

Literature cited by the submitters: PubMed 9329371 (cited by OMIM).

NM_000305.3(PON2):c.443C>G (p.Ala148Gly)

Genes: ASB4 (ankyrin repeat and SOCS box containing 4; plus strand), PON2 (paraoxonase 2; minus strand), LOC107986822 (uncharacterized LOC107986822; plus strand). Cytogenetic location: 7q21.3.
Variant type: single nucleotide variant.
Coding change: c.443C>G on transcript NM_000305.3 (MANE Select); coding-DNA position 443, C replaced by G.
Protein change: p.Ala148Gly; replaces alanine 148 with glycine.
Molecular consequence: missense variant.
Genome position (GRCh38, 1-based): chr7:95,411,704, G>C on the plus strand (C>G on the coding strand, the complement: PON2 is on the minus strand). VCF-style: chr7-95411704-G-C. GRCh37 (hg19) VCF-style: chr7-95041016-G-C.
Other names: c.407C>G, p.Ala136Gly (NM_001018161.2); short protein forms A148G, A136G.
Identifiers: ClinVar variation 7085 (VCV000007085.7), dbSNP rs12026, ClinGen allele CA118613.